The following is an entry in ClinVar:

NM_000428.3(LTBP2):c.3562C>T (p.Pro1188Ser)

Gene: LTBP2 (latent transforming growth factor beta binding protein 2; minus strand). Cytogenetic location: 14q24.3.
Variant type: single nucleotide variant.
Coding change: c.3562C>T on transcript NM_000428.3 (MANE Select); coding-DNA position 3562, C replaced by T.
Protein change: p.Pro1188Ser; replaces proline 1188 with serine.
Molecular consequence: missense variant.
Genome position (GRCh38, 1-based): chr14:74,508,694, G>A on the plus strand (C>T on the coding strand, the complement: LTBP2 is on the minus strand). VCF-style: chr14-74508694-G-A. GRCh37 (hg19) VCF-style: chr14-74975397-G-A.
Other names: short protein forms P1188S.
Identifiers: ClinVar variation 2415122 (VCV002415122.6), dbSNP rs2087025077, ClinGen allele CA390388201.
Genomic context (GRCh38, chr14:74,508,694, plus strand): 5'-CGAAGCCAGGCGCGCACAGACAGAAGAAAGACCCGTGGCTGTTGAGGCACTCGCCGTGGG[G>A]TGCGCAGTGCTCCTCCCCCATGCACTCATTCACATCTGCAGGGAAAAGATGGGGAGTGGG-3'
Protein context (NP_000419.1, residues 1178-1198): NECMGEEHCA[Pro1188Ser]HGECLNSHGS

ClinVar aggregate classification (germline): Uncertain significance (1 of 4 stars; one submission).

Allele frequency attached by ClinVar (database versions not stated): gnomAD exomes below 0.00001.
gnomAD v4.1: 4 of 1,613,754 alleles (0.00025%); highest among the groups gnomAD compares: African/African-American, 0.004%; no homozygotes.

Submission:

Labcorp Genetics (formerly Invitae), Labcorp
Classification: Uncertain significance. Last evaluated: 2024-03-13. Review status: criteria provided, single submitter. Criteria: Invitae Variant Classification Sherloc (09022015). Collection method: clinical testing. Allele origin: germline.
Comment: This sequence change replaces proline, which is neutral and non-polar, with serine, which is neutral and polar, at codon 1188 of the LTBP2 protein (p.Pro1188Ser). This variant is not present in population databases (gnomAD no frequency). This variant has not been reported in the literature in individuals affected with LTBP2-related conditions. ClinVar contains an entry for this variant (Variation ID: 2415122). An algorithm developed to predict the effect of missense changes on protein structure and function (PolyPhen-2) suggests that this variant is likely to be disruptive. In summary, the available evidence is currently insufficient to determine the role of this variant in disease. Therefore, it has been classified as a Variant of Uncertain Significance.